The following is an entry in ClinVar:

ClinVar aggregate classification (germline): Uncertain significance. Review status: criteria provided, multiple submitters, no conflicts (2 of 4 stars). 2 submissions from 2 submitters: Uncertain significance (2). Last evaluated 2026-09-09.

Conditions:
Inborn genetic diseases. Identifiers: MedGen C0950123, MeSH D030342.
Baller-Gerold syndrome (BGS). Also called: CRANIOSYNOSTOSIS WITH RADIAL DEFECTS. Identifiers: Orphanet 1225, MedGen C0265308, MONDO:0009039, OMIM 218600.

Allele frequency attached by ClinVar (database versions not stated): gnomAD exomes below 0.00001.

Submissions (2):

Ambry Genetics
Classification: Uncertain significance for Inborn genetic diseases. Last evaluated: 2026-09-09. Review status: criteria provided, single submitter. Criteria: Ambry Variant Classification Scheme 2023. Collection method: clinical testing. Allele origin: germline.
Comment: The p.V541L variant (also known as c.1621G>C) is located in coding exon 10 of the RECQL4 gene. The valine at codon 541 is replaced by leucine, an amino acid with highly similar properties. This change occurs in the first base pair of coding exon 10. This amino acid position is conserved. In addition, this alteration is predicted to be tolerated by in silico analysis. Based on the available evidence, the clinical significance of this variant remains unclear.

Labcorp Genetics (formerly Invitae), Labcorp
Classification: Uncertain significance for Baller-Gerold syndrome. Last evaluated: 2022-07-12. Review status: criteria provided, single submitter. Criteria: Invitae Variant Classification Sherloc (09022015). Collection method: clinical testing. Allele origin: germline.
Comment: In summary, the available evidence is currently insufficient to determine the role of this variant in disease. Therefore, it has been classified as a Variant of Uncertain Significance. ClinVar contains an entry for this variant (Variation ID: 1424571). This variant has not been reported in the literature in individuals affected with RECQL4-related conditions. This variant is not present in population databases (gnomAD no frequency). This sequence change replaces valine, which is neutral and non-polar, with leucine, which is neutral and non-polar, at codon 541 of the RECQL4 protein (p.Val541Leu).

NM_004260.4(RECQL4):c.1621G>C (p.Val541Leu)

Gene: RECQL4 (RecQ like helicase 4; minus strand). Cytogenetic location: 8q24.3.
Variant type: single nucleotide variant.
Coding change: c.1621G>C on transcript NM_004260.4 (MANE Select); coding-DNA position 1621, G replaced by C.
Protein change: p.Val541Leu; replaces valine 541 with leucine.
Molecular consequence: missense variant.
Genome position (GRCh38, 1-based): chr8:144,514,525, C>G on the plus strand (G>C on the coding strand, the complement: RECQL4 is on the minus strand). VCF-style: chr8-144514525-C-G. GRCh37 (hg19) VCF-style: chr8-145739909-C-G.
Other names: c.1621G>C (NM_004260.3); short protein forms V541L.
Identifiers: ClinVar variation 1424571 (VCV001424571.7), dbSNP rs1827866032, ClinGen allele CA372683157.